The following is an entry in ClinVar:

NM_020921.4(NIN):c.308A>T (p.Lys103Met)

Gene: NIN (ninein; minus strand). Cytogenetic location: 14q22.1.
Variant type: single nucleotide variant.
Coding change: c.308A>T on transcript NM_020921.4 (MANE Select); coding-DNA position 308, A replaced by T.
Protein change: p.Lys103Met; replaces lysine 103 with methionine.
Molecular consequence: missense variant.
Genome position (GRCh38, 1-based): chr14:50,792,839, T>A on the plus strand (A>T on the coding strand, the complement: NIN is on the minus strand). VCF-style: chr14-50792839-T-A. GRCh37 (hg19) VCF-style: chr14-51259557-T-A.
Other names: c.308A>T, p.Lys103Met (NM_016350.5, NM_182944.3, NM_182946.2); short protein forms K103M.
Identifiers: ClinVar variation 3724077 (VCV003724077.2).

ClinVar aggregate classification (germline): Uncertain significance (1 of 4 stars; one submission).

Submission:

Labcorp Genetics (formerly Invitae), Labcorp
Classification: Uncertain significance. Last evaluated: 2024-10-30. Review status: criteria provided, single submitter. Criteria: Invitae Variant Classification Sherloc (09022015). Collection method: clinical testing. Allele origin: germline.
Comment: This sequence change replaces lysine, which is basic and polar, with methionine, which is neutral and non-polar, at codon 103 of the NIN protein (p.Lys103Met). This variant is not present in population databases (gnomAD no frequency). This variant has not been reported in the literature in individuals affected with NIN-related conditions. An algorithm developed to predict the effect of missense changes on protein structure and function (PolyPhen-2) suggests that this variant is likely to be disruptive. In summary, the available evidence is currently insufficient to determine the role of this variant in disease. Therefore, it has been classified as a Variant of Uncertain Significance.